The following is an entry in ClinVar:

NM_001276270.2(MBD4):c.884_890dup (p.Glu298fs)

Gene: MBD4 (methyl-CpG binding domain 4, DNA glycosylase; minus strand). Cytogenetic location: 3q21.3.
Variant type: Duplication.
Coding change: c.884_890dup on transcript NM_001276270.2 (MANE Select); coding-DNA positions 884 to 890, 7 bases duplicated (CATGTGG; older notation c.884_890dupCATGTGG).
Protein change: p.Glu298fs; shifts the reading frame from glutamic acid 298.
Molecular consequence: frameshift variant. On other transcripts: intron variant (1).
Genome position (GRCh38, 1-based): chr3:129,436,754-129,436,760, CCACATG duplicated on the plus strand (CATGTGG on the coding strand, the reverse complement: MBD4 is on the minus strand); duplicating any 7 consecutive bases within chr3:129,436,754-129,436,761 gives the same sequence; the c. name uses the placement nearest the transcript's 3' end. VCF-style (leftmost placement, unchanged base first): chr3-129436753-A-ACCACATG. GRCh37 (hg19) VCF-style: chr3-129155596-A-ACCACATG.
Other names: c.884_890dupCATGTGG (NM_001276270.2); c.884_890dup, p.Glu298fs (NM_001276271.2, NM_001276272.2, NM_003925.3); c.247+1048_247+1054dup (NM_001276273.2); short protein forms E298fs.
Identifiers: ClinVar variation 4624376 (VCV004624376.1).
Genomic context (GRCh38, chr3:129,436,753, plus strand): 5'-CAATGATCTTTCTTTTTTTTTTACAAGGCTGTTTTCTTCACTGGTCACACTGAGGGTCTC[A>ACCACATG]CCACATGCTCCAGCATCAGAAATGCAGACAGTTCTATCAAGCTGACTTTTTTGTGCAACA-3'

ClinVar aggregate classification (germline): Pathogenic (1 of 4 stars; one submission).

Conditions:
Inborn genetic diseases. Identifiers: MedGen C0950123, MeSH D030342.

Submission:

Ambry Genetics
Classification: Pathogenic for Inborn genetic diseases. Last evaluated: 2025-09-24. Review status: criteria provided, single submitter. Criteria: Ambry Variant Classification Scheme 2023. Collection method: clinical testing. Allele origin: germline.
Comment: The c.884_890dupCATGTGG pathogenic mutation, located in coding exon 3 of the MBD4 gene, results from a duplication of CATGTGG at nucleotide position 884, causing a translational frameshift with a predicted alternate stop codon (p.E298Mfs*3). This variant is considered to be rare based on population cohorts in the Genome Aggregation Database (gnomAD). This alteration is expected to result in loss of function by premature protein truncation or nonsense-mediated mRNA decay. As such, this alteration is interpreted as a disease-causing mutation.